The following is an entry in ClinVar:

NM_004456.5(EZH2):c.1370G>A (p.Cys457Tyr)

Gene: EZH2 (enhancer of zeste 2 polycomb repressive complex 2 subunit; minus strand). Cytogenetic location: 7q36.1.
Variant type: single nucleotide variant.
Coding change: c.1370G>A on transcript NM_004456.5 (MANE Select); coding-DNA position 1370, G replaced by A.
Protein change: p.Cys457Tyr; replaces cysteine 457 with tyrosine.
Molecular consequence: missense variant.
Genome position (GRCh38, 1-based): chr7:148,817,262, C>T on the plus strand (G>A on the coding strand, the complement: EZH2 is on the minus strand). VCF-style: chr7-148817262-C-T. GRCh37 (hg19) VCF-style: chr7-148514354-C-T.
Other names: c.1355G>A, p.Cys452Tyr (NM_001203247.2); c.1328G>A, p.Cys443Tyr (NM_001203248.2, NM_001203249.2); c.1238G>A, p.Cys413Tyr (NM_152998.3); short protein forms C443Y, C452Y, C457Y, C413Y.
Identifiers: ClinVar variation 3718565 (VCV003718565.2).
Genomic context (GRCh38, chr7:148,817,262, plus strand): 5'-ATTTTTATCGGATATCTTACCTGTCTACATGTTTTGGTCCCAATTAACCTAGCAATGGCA[C>T]AGAAATTGTCATAGTAAGTGCCAATGAGGACTCTAAACATTGAGGCTTCAGCACCACTCC-3'
Protein context (NP_004447.2, residues 447-467): VLIGTYYDNF[Cys457Tyr]AIARLIGTKT

ClinVar aggregate classification (germline): Uncertain significance (1 of 4 stars; one submission).

Conditions:
Weaver syndrome (WVS). Also called: Weaver Smith syndrome; Overgrowth syndrome with accelerated skeletal maturation, unusual facies, and camptodactyly. Identifiers: Orphanet 3447, MedGen C0265210, MONDO:0010193, OMIM 277590.

Submission:

Labcorp Genetics (formerly Invitae), Labcorp
Classification: Uncertain significance for Weaver syndrome. Last evaluated: 2024-06-13. Review status: criteria provided, single submitter. Criteria: Invitae Variant Classification Sherloc (09022015). Collection method: clinical testing. Allele origin: germline.
Comment: This sequence change replaces cysteine, which is neutral and slightly polar, with tyrosine, which is neutral and polar, at codon 457 of the EZH2 protein (p.Cys457Tyr). This variant is present in population databases (rs748458685, gnomAD 0.0009%). This variant has not been reported in the literature in individuals affected with EZH2-related conditions. Advanced modeling of protein sequence and biophysical properties (such as structural, functional, and spatial information, amino acid conservation, physicochemical variation, residue mobility, and thermodynamic stability) performed at Invitae indicates that this missense variant is expected to disrupt EZH2 protein function with a positive predictive value of 80%. In summary, the available evidence is currently insufficient to determine the role of this variant in disease. Therefore, it has been classified as a Variant of Uncertain Significance.